The following is an entry in ClinVar:

ClinVar aggregate classification (germline): Uncertain significance (1 of 4 stars; one submission).

Conditions:
RASopathy. Also called: rasopathies; Noonan spectrum disorder. Identifiers: Orphanet 536391, MedGen C5555857, MONDO:0021060.

Submission:

Labcorp Genetics (formerly Invitae), Labcorp
Classification: Uncertain significance for RASopathy. Last evaluated: 2025-07-15. Review status: criteria provided, single submitter. Criteria: Invitae Variant Classification Sherloc (09022015). Collection method: clinical testing. Allele origin: germline.
Comment: This sequence change replaces glutamic acid, which is acidic and polar, with lysine, which is basic and polar, at codon 50 of the SOS1 protein (p.Glu50Lys). This variant is not present in population databases (gnomAD no frequency). This variant has not been reported in the literature in individuals affected with SOS1-related conditions. ClinVar contains an entry for this variant (Variation ID: 1511036). Invitae Evidence Modeling of protein sequence and biophysical properties (such as structural, functional, and spatial information, amino acid conservation, physicochemical variation, residue mobility, and thermodynamic stability) indicates that this missense variant is expected to disrupt SOS1 protein function with a positive predictive value of 80%. In summary, the available evidence is currently insufficient to determine the role of this variant in disease. Therefore, it has been classified as a Variant of Uncertain Significance.

NM_005633.4(SOS1):c.148G>A (p.Glu50Lys)

Gene: SOS1 (SOS Ras/Rac guanine nucleotide exchange factor 1; minus strand). Cytogenetic location: 2p22.1.
Variant type: single nucleotide variant.
Coding change: c.148G>A on transcript NM_005633.4 (MANE Select); coding-DNA position 148, G replaced by A.
Protein change: p.Glu50Lys; replaces glutamic acid 50 with lysine.
Molecular consequence: missense variant.
Genome position (GRCh38, 1-based): chr2:39,067,693, C>T on the plus strand (G>A on the coding strand, the complement: SOS1 is on the minus strand). VCF-style: chr2-39067693-C-T. GRCh37 (hg19) VCF-style: chr2-39294834-C-T.
Other names: c.127G>A, p.Glu43Lys (NM_001382394.1); c.148G>A, p.Glu50Lys (NM_001382395.1); short protein forms E43K, E50K.
Identifiers: ClinVar variation 1511036 (VCV001511036.6), dbSNP rs2148140584, ClinGen allele CA346374238.